The following is an entry in ClinVar:

ClinVar aggregate classification (germline): Uncertain significance (1 of 4 stars; one submission).

Submission:

Ambry Genetics
Classification: Uncertain significance. Last evaluated: 2020-11-27. Review status: criteria provided, single submitter. Criteria: Ambry Variant Classification Scheme 2023. Collection method: clinical testing. Allele origin: germline.
Comment: The c.1603_1621del19 variant, located in coding exon 12 of the RECQL gene, results from a deletion of 19 nucleotides at nucleotide positions 1603 to 1621, causing a translational frameshift with a predicted alternate stop codon (p.P535Ifs*10). This alteration is expected to result in premature protein truncation or nonsense-mediated mRNA decay. However, the gene-disease association for RECQL is limited. Since supporting evidence is limited at this time, the clinical significance of this alteration remains unclear.

NM_002907.4(RECQL):c.1603_1621del (p.Pro535fs)

Gene: RECQL (RecQ like helicase; minus strand). Cytogenetic location: 12p12.1.
Variant type: Deletion.
Coding change: c.1603_1621del on transcript NM_002907.4 (MANE Select); coding-DNA positions 1603 to 1621, 19 bases deleted (CCCACACTTCCTCGTGAAG).
Protein change: p.Pro535fs; shifts the reading frame from proline 535.
Molecular consequence: frameshift variant.
Genome position (GRCh38, 1-based): chr12:21,471,474-21,471,492, CTTCACGAGGAAGTGTGGG deleted on the plus strand (CCCACACTTCCTCGTGAAG on the coding strand, the reverse complement: RECQL is on the minus strand). VCF-style (leftmost placement, unchanged base first): chr12-21471473-TCTTCACGAGGAAGTGTGGG-T. GRCh37 (hg19) VCF-style: chr12-21624407-TCTTCACGAGGAAGTGTGGG-T.
Other names: c.1603_1621del, p.Pro535fs (NM_032941.3); short protein forms P535fs.
Identifiers: ClinVar variation 1776211 (VCV001776211.2), dbSNP rs2540320234, ClinGen allele CA2580085243.